The following is an entry in ClinVar:

ClinVar aggregate classification (germline): Uncertain significance (1 of 4 stars; one submission).

Allele frequency attached by ClinVar (database versions not stated): gnomAD exomes 0.00001.
gnomAD v4.1: 18 of 1,614,184 alleles (0.0011%); highest among the groups gnomAD compares: Non-Finnish European, 0.0015%; no homozygotes.

Submission:

Labcorp Genetics (formerly Invitae), Labcorp
Classification: Uncertain significance. Last evaluated: 2023-06-11. Review status: criteria provided, single submitter. Criteria: Invitae Variant Classification Sherloc (09022015). Collection method: clinical testing. Allele origin: germline.
Comment: In summary, the available evidence is currently insufficient to determine the role of this variant in disease. Therefore, it has been classified as a Variant of Uncertain Significance. Algorithms developed to predict the effect of missense changes on protein structure and function output the following: SIFT: "Not Available"; PolyPhen-2: "Benign"; Align-GVGD: "Not Available". The serine amino acid residue is found in multiple mammalian species, which suggests that this missense change does not adversely affect protein function. This missense change has been observed in individual(s) with breast cancer (PMID: 25050558). This variant is not present in population databases (gnomAD no frequency). This sequence change replaces alanine, which is neutral and non-polar, with serine, which is neutral and polar, at codon 260 of the RINT1 protein (p.Ala260Ser).

Literature cited by the submitters: PubMed 25050558.

NM_021930.6(RINT1):c.778G>T (p.Ala260Ser)

Gene: RINT1 (RAD50 interactor 1; plus strand). Cytogenetic location: 7q22.3.
Variant type: single nucleotide variant.
Coding change: c.778G>T on transcript NM_021930.6 (MANE Select); coding-DNA position 778, G replaced by T.
Protein change: p.Ala260Ser; replaces alanine 260 with serine.
Molecular consequence: missense variant. On other transcripts: 5 prime UTR variant (2), non-coding transcript variant (1), intron variant (1).
Genome position (GRCh38, 1-based): chr7:105,547,272, G>T. VCF-style: chr7-105547272-G-T. GRCh37 (hg19) VCF-style: chr7-105187719-G-T.
Other names: c.544G>T, p.Ala182Ser (NM_001346599.2); c.-242G>T (NM_001346600.2); c.-145G>T (NM_001346601.2); c.-27-2783G>T (NM_001346603.2); short protein forms A182S, A260S.
Identifiers: ClinVar variation 2851619 (VCV002851619.3), dbSNP rs2133387818, ClinGen allele CA368806361.